The following is an entry in ClinVar:

NM_000540.3(RYR1):c.14647-3C>T

Gene: RYR1 (ryanodine receptor 1; plus strand). Cytogenetic location: 19q13.2.
Variant type: single nucleotide variant.
Coding change: c.14647-3C>T on transcript NM_000540.3 (MANE Select); 3 bases into the intron before coding-DNA position 14647, C replaced by T.
Molecular consequence: intron variant.
Genome position (GRCh38, 1-based): chr19:38,584,940, C>T. VCF-style: chr19-38584940-C-T. GRCh37 (hg19) VCF-style: chr19-39075580-C-T.
Other names: c.14632-3C>T (NM_001042723.2).
Identifiers: ClinVar variation 1038717 (VCV001038717.6), dbSNP rs1974401494, ClinGen allele CA2335094923.

ClinVar aggregate classification (germline): Conflicting classifications of pathogenicity. Review status: criteria provided, conflicting classifications (1 of 4 stars). 2 submissions from 2 submitters: Uncertain significance (1); Likely benign (1). Last evaluated 2025-09-01.

Conditions:
RYR1-related disorder. Also called: RYR1-related condition; RYR1-related disorders. Identifiers: MedGen CN239331.
Malignant hyperthermia, susceptibility to, 1 (MHS1). Also called: RYR1-Related Malignant Hyperthermia Susceptibility; Malignant hyperthermia suceptibility 1; Anesthesia related hyperthermia; Malignant hyperpyrexia; Fulminating hyperpyrexia; Pharmacogenic myopathy. Identifiers: Orphanet 423, MedGen C2930980, MONDO:0007783, OMIM 145600.

Submissions (2):

Color Diagnostics, LLC DBA Color Health
Classification: Likely benign for Malignant hyperthermia, susceptibility to, 1. Last evaluated: 2025-09-01. Review status: criteria provided, single submitter. Criteria: ACMG Guidelines, 2015. Collection method: clinical testing. Allele origin: germline.

Labcorp Genetics (formerly Invitae), Labcorp
Classification: Uncertain significance for RYR1-related disorder. Last evaluated: 2020-12-23. Review status: criteria provided, single submitter. Criteria: Invitae Variant Classification Sherloc (09022015). Collection method: clinical testing. Allele origin: germline.
Comment: In summary, the available evidence is currently insufficient to determine the role of this variant in disease. Therefore, it has been classified as a Variant of Uncertain Significance. Nucleotide substitutions within the consensus splice site are a relatively common cause of aberrant splicing (PMID: 17576681, 9536098). Algorithms developed to predict the effect of sequence changes on RNA splicing suggest that this variant is not likely to affect RNA splicing, but this prediction has not been confirmed by published transcriptional studies. This variant has not been reported in the literature in individuals with RYR1-related conditions. This variant is not present in population databases (ExAC no frequency). This sequence change falls in intron 101 of the RYR1 gene. It does not directly change the encoded amino acid sequence of the RYR1 protein. It affects a nucleotide within the consensus splice site of the intron.

Literature cited by the submitters: PubMed 17576681 (cited by Labcorp Genetics (formerly Invitae), Labcorp); PubMed 9536098 (cited by Labcorp Genetics (formerly Invitae), Labcorp).